The following is an entry in ClinVar:

ClinVar aggregate classification (germline): Uncertain significance (1 of 4 stars; one submission).

Conditions:
Developmental and epileptic encephalopathy, 12 (DEE12). Identifiers: MedGen C3150988, MONDO:0013389, OMIM 613722.

Submission:

Labcorp Genetics (formerly Invitae), Labcorp
Classification: Uncertain significance for Developmental and epileptic encephalopathy, 12. Last evaluated: 2021-09-15. Review status: criteria provided, single submitter. Criteria: Invitae Variant Classification Sherloc (09022015). Collection method: clinical testing. Allele origin: germline.
Comment: In summary, the available evidence is currently insufficient to determine the role of this variant in disease. Therefore, it has been classified as a Variant of Uncertain Significance. Experimental studies and prediction algorithms are not available or were not evaluated, and the functional significance of this variant is currently unknown. This variant has not been reported in the literature in individuals affected with PLCB1-related conditions. This variant results in a copy number gain of the genomic region encompassing exon(s) 13-32 of the PLCB1 gene. This region includes the termination codon of the gene. This copy number gain extends beyond the assayed region for this gene and therefore may encompass additional genes. As the precise location of this event is unknown, it may be in tandem or it may be located elsewhere in the genome.

NC_000020.10:g.(?_8696891)_(8862496_?)dup

Gene: PLCB1 (phospholipase C beta 1; plus strand). Cytogenetic location: 20p12.3.
Variant type: Duplication.
Identifiers: ClinVar variation 1411923 (VCV001411923.6).